The following is an entry in ClinVar:

NM_000310.4(PPT1):c.822G>A (p.Met274Ile)

Gene: PPT1 (palmitoyl-protein thioesterase 1; minus strand). Cytogenetic location: 1p34.2.
Variant type: single nucleotide variant.
Coding change: c.822G>A on transcript NM_000310.4 (MANE Select); coding-DNA position 822, G replaced by A.
Protein change: p.Met274Ile; replaces methionine 274 with isoleucine.
Molecular consequence: missense variant.
Genome position (GRCh38, 1-based): chr1:40,074,160, C>T on the plus strand (G>A on the coding strand, the complement: PPT1 is on the minus strand). VCF-style: chr1-40074160-C-T. GRCh37 (hg19) VCF-style: chr1-40539832-C-T.
Other names: c.513G>A, p.Met171Ile (NM_001142604.2); c.750G>A, p.Met250Ile (NM_001363695.2); short protein forms M171I, M274I, M250I.
Identifiers: ClinVar variation 1035086 (VCV001035086.6), dbSNP rs1648441107, ClinGen allele CA339845735.

ClinVar aggregate classification (germline): Uncertain significance (1 of 4 stars; one submission).

Conditions:
Neuronal ceroid lipofuscinosis 1 (CLN1). Also called: PPT1-Related Neuronal Ceroid-Lipofuscinosis; CEROID LIPOFUSCINOSIS, NEURONAL, 1, VARIABLE AGE AT ONSET. Identifiers: Orphanet 228329, MedGen C1850451, MONDO:0009744, OMIM 256730.

Submission:

Labcorp Genetics (formerly Invitae), Labcorp
Classification: Uncertain significance for Neuronal ceroid lipofuscinosis 1. Last evaluated: 2021-08-30. Review status: criteria provided, single submitter. Criteria: Invitae Variant Classification Sherloc (09022015). Collection method: clinical testing. Allele origin: germline.
Comment: This sequence change replaces methionine with isoleucine at codon 274 of the PPT1 protein (p.Met274Ile). The methionine residue is highly conserved and there is a small physicochemical difference between methionine and isoleucine. This variant is not present in population databases (ExAC no frequency). This variant has not been reported in the literature in individuals affected with PPT1-related conditions. Advanced modeling of protein sequence and biophysical properties (such as structural, functional, and spatial information, amino acid conservation, physicochemical variation, residue mobility, and thermodynamic stability) performed at Invitae indicates that this missense variant is expected to disrupt PPT1 protein function. In summary, the available evidence is currently insufficient to determine the role of this variant in disease. Therefore, it has been classified as a Variant of Uncertain Significance.